The following is an entry in ClinVar:

NM_000541.5(SAG):c.1102G>A (p.Ala368Thr)

Gene: SAG (S-antigen visual arrestin; plus strand). Cytogenetic location: 2q37.1.
Variant type: single nucleotide variant.
Coding change: c.1102G>A on transcript NM_000541.5 (MANE Select); coding-DNA position 1102, G replaced by A.
Protein change: p.Ala368Thr; replaces alanine 368 with threonine.
Molecular consequence: missense variant.
Genome position (GRCh38, 1-based): chr2:233,342,326, G>A. VCF-style: chr2-233342326-G-A. GRCh37 (hg19) VCF-style: chr2-234250972-G-A.
Other names: c.1102G>A (NM_000541.4); short protein forms A368T.
Identifiers: ClinVar variation 3666427 (VCV003666427.4).

ClinVar aggregate classification (germline): Uncertain significance. Review status: criteria provided, multiple submitters, no conflicts (2 of 4 stars). 3 submissions from 3 submitters: Uncertain significance (3). Last evaluated 2026-07-29.

Conditions:
SAG-related disorder. Also called: SAG-related condition; SAG-related disorders.

gnomAD v4.1: 16 of 1,603,618 alleles (0.001%); highest among the groups gnomAD compares: Non-Finnish European, 0.0014%; no homozygotes.

Submissions (3):

PreventionGenetics, part of Exact Sciences
Classification: Uncertain significance for SAG-related condition. Last evaluated: 2026-07-29. Review status: criteria provided, single submitter. Criteria: ACMG Guidelines, 2015. Collection method: clinical testing. Allele origin: germline.
Comment: The SAG c.1102G>A variant is predicted to result in the amino acid substitution p.Ala368Thr. To our knowledge, this variant has not been reported in the literature. This variant is reported in 0.0033% of alleles in individuals of European (Non-Finnish) descent in gnomAD. At this time, the clinical significance of this variant is uncertain due to the absence of conclusive functional and genetic evidence.

Labcorp Genetics (formerly Invitae), Labcorp
Classification: Uncertain significance. Last evaluated: 2024-12-23. Review status: criteria provided, single submitter. Criteria: Invitae Variant Classification Sherloc (09022015). Collection method: clinical testing. Allele origin: germline.
Comment: This sequence change affects codon 368 of the SAG mRNA. It is a 'silent' change, meaning that it does not change the encoded amino acid sequence of the SAG protein. This variant also falls at the last nucleotide of exon 14, which is part of the consensus splice site for this exon. The frequency data for this variant in the population databases is considered unreliable, as metrics indicate poor data quality at this position in the gnomAD database. This variant has not been reported in the literature in individuals affected with SAG-related conditions. An algorithm developed to predict the effect of missense changes on protein structure and function (PolyPhen-2) suggests that this variant is likely to be tolerated. Variants that disrupt the consensus splice site are a relatively common cause of aberrant splicing (PMID: 17576681, 9536098). Algorithms developed to predict the effect of sequence changes on RNA splicing suggest that this variant may disrupt the consensus splice site. In summary, the available evidence is currently insufficient to determine the role of this variant in disease. Therefore, it has been classified as a Variant of Uncertain Significance.

Blueprint Genetics
Classification: Uncertain significance. Last evaluated: 2024-03-11. Review status: criteria provided, single submitter. Criteria: ACMG Guidelines, 2015. Collection method: clinical testing. Allele origin: germline.

Literature cited by the submitters: PubMed 17576681 (cited by Labcorp Genetics (formerly Invitae), Labcorp); PubMed 9536098 (cited by Labcorp Genetics (formerly Invitae), Labcorp).